The following is an entry in ClinVar:

ClinVar aggregate classification (germline): Likely benign (1 of 4 stars; one submission).

gnomAD v4.1: 248 of 1,532,888 alleles (0.016%); highest among the groups gnomAD compares: Admixed American, 0.032%; no homozygotes.

Submission:

CeGaT Center for Human Genetics Tuebingen
Classification: Likely benign. Last evaluated: 2024-08-01. Review status: criteria provided, single submitter. Criteria: CeGaT Center For Human Genetics Tuebingen Variant Classification Criteria Version 2. Collection method: clinical testing. Allele origin: germline. Affected: yes. Observed: 1 variant allele.
Comment: TLNRD1: BP4, BP7

NM_022566.3(TLNRD1):c.450C>T (p.Arg150=)

Gene: TLNRD1 (talin rod domain containing 1; plus strand). Cytogenetic location: 15q25.1.
Variant type: single nucleotide variant.
Coding change: c.450C>T on transcript NM_022566.3 (MANE Select); coding-DNA position 450, C replaced by T.
Protein change: p.Arg150=; no amino-acid change (arginine 150 retained).
Molecular consequence: synonymous variant.
Genome position (GRCh38, 1-based): chr15:81,002,721, C>T. VCF-style: chr15-81002721-C-T. GRCh37 (hg19) VCF-style: chr15-81295062-C-T.
Identifiers: ClinVar variation 3341666 (VCV003341666.16).